The following is an entry in ClinVar:

ClinVar aggregate classification (germline): Conflicting classifications of pathogenicity. Review status: criteria provided, conflicting classifications (1 of 4 stars). 2 submissions from 2 submitters: Uncertain significance (1); Likely benign (1). Last evaluated 2025-11-02.

Allele frequency attached by ClinVar (database versions not stated): ESP Exome Variant Server 0.00040; TOPMed 0.00040; gnomAD exomes 0.00070; ExAC 0.00086.
gnomAD v4.1: 1,070 of 1,583,434 alleles (0.068%); highest among the groups gnomAD compares: Non-Finnish European, 0.076%; no homozygotes.

Submissions (2):

Ambry Genetics
Classification: Uncertain significance. Last evaluated: 2025-11-02. Review status: criteria provided, single submitter. Criteria: Ambry Variant Classification Scheme 2023. Collection method: clinical testing. Allele origin: germline.

CeGaT Center for Human Genetics Tuebingen
Classification: Likely benign. Last evaluated: 2024-01-01. Review status: criteria provided, single submitter. Criteria: CeGaT Center For Human Genetics Tuebingen Variant Classification Criteria Version 2. Collection method: clinical testing. Allele origin: germline. Affected: yes. Observed: 1 variant allele.
Comment: UHRF1: BP4

NM_001048201.3(UHRF1):c.-10-23G>T

Genes: ARRDC5 (arrestin domain containing 5; minus strand), UHRF1 (ubiquitin like with PHD and ring finger domains 1; plus strand). Cytogenetic location: 19p13.3.
Variant type: single nucleotide variant.
Coding change: c.-10-23G>T on transcript NM_001048201.3 (MANE Select); 23 bases into the intron before 10 bases upstream of the start codon, G replaced by T.
Molecular consequence: intron variant. On other transcripts: missense variant (1).
Genome position (GRCh38, 1-based): chr19:4,910,853, G>T. VCF-style: chr19-4910853-G-T. GRCh37 (hg19) VCF-style: chr19-4910865-G-T.
Other names: c.7G>T, p.Val3Phe (NM_013282.5); c.-10-23G>T (NM_001290050.2, NM_001290051.2, NM_001290052.2); short protein forms V3F.
Identifiers: ClinVar variation 2518841 (VCV002518841.24), dbSNP rs200061440, ClinGen allele CA9106353.